The following is an entry in ClinVar:

NM_006269.2(RP1):c.1978A>C (p.Asn660His)

Gene: RP1 (RP1 axonemal microtubule associated; plus strand). Cytogenetic location: 8q12.1.
Variant type: single nucleotide variant.
Coding change: c.1978A>C on transcript NM_006269.2 (MANE Select); coding-DNA position 1978, A replaced by C.
Protein change: p.Asn660His; replaces asparagine 660 with histidine.
Molecular consequence: missense variant. On other transcripts: intron variant (1).
Genome position (GRCh38, 1-based): chr8:54,625,860, A>C. VCF-style: chr8-54625860-A-C. GRCh37 (hg19) VCF-style: chr8-55538420-A-C.
Other names: c.787+3572A>C (NM_001375654.1); short protein forms N660H.
Identifiers: ClinVar variation 2599678 (VCV002599678.3), dbSNP rs770335858, ClinGen allele CA4751456.
Genomic context (GRCh38, chr8:54,625,860, plus strand): 5'-GCAAGAATTGACAGACTAATTAATGAATTTGCTCAGTGTGGTTTAACAAAACTTCCAAAA[A>C]ATGAAAAGAAGATTTTGTCATCTGTTGCCAGCAAAAAGAAGAAAAAATCTCGACAGCAAG-3'
Protein context (NP_006260.1, residues 650-670): AQCGLTKLPK[Asn660His]EKKILSSVAS

ClinVar aggregate classification (germline): Uncertain significance. Review status: criteria provided, multiple submitters, no conflicts (2 of 4 stars). 2 submissions from 2 submitters: Uncertain significance (2). Last evaluated 2025-07-29.

Conditions:
Inborn genetic diseases. Identifiers: MedGen C0950123, MeSH D030342.

Allele frequency attached by ClinVar (database versions not stated): TOPMed below 0.00001; gnomAD exomes 0.00001; ExAC 0.00002.
gnomAD v4.1: 12 of 1,613,748 alleles (0.00074%); highest among the groups gnomAD compares: Non-Finnish European, 0.001%; no homozygotes.

Submissions (2):

Labcorp Genetics (formerly Invitae), Labcorp
Classification: Uncertain significance. Last evaluated: 2025-07-29. Review status: criteria provided, single submitter. Criteria: Invitae Variant Classification Sherloc (09022015). Collection method: clinical testing. Allele origin: germline.
Comment: This sequence change replaces asparagine, which is neutral and polar, with histidine, which is basic and polar, at codon 660 of the RP1 protein (p.Asn660His). This variant is present in population databases (rs770335858, gnomAD 0.002%). This variant has not been reported in the literature in individuals affected with RP1-related conditions. ClinVar contains an entry for this variant (Variation ID: 2599678). An algorithm developed to predict the effect of missense changes on protein structure and function (PolyPhen-2) suggests that this variant is likely to be tolerated. In summary, the available evidence is currently insufficient to determine the role of this variant in disease. Therefore, it has been classified as a Variant of Uncertain Significance.

Ambry Genetics
Classification: Uncertain significance for Inborn genetic diseases. Last evaluated: 2023-08-18. Review status: criteria provided, single submitter. Criteria: Ambry Variant Classification Scheme 2023. Collection method: clinical testing. Allele origin: germline.